The following is an entry in ClinVar:

NM_000295.5(SERPINA1):c.32T>C (p.Leu11Pro)

Gene: SERPINA1 (serpin family A member 1; minus strand). Cytogenetic location: 14q32.13.
Variant type: single nucleotide variant.
Coding change: c.32T>C on transcript NM_000295.5 (MANE Select); coding-DNA position 32, T replaced by C.
Protein change: p.Leu11Pro; replaces leucine 11 with proline.
Molecular consequence: missense variant.
Genome position (GRCh38, 1-based): chr14:94,383,206, A>G on the plus strand (T>C on the coding strand, the complement: SERPINA1 is on the minus strand). VCF-style: chr14-94383206-A-G. GRCh37 (hg19) VCF-style: chr14-94849543-A-G.
Other names: c.32T>C, p.Leu11Pro (NM_001002235.3, NM_001002236.3, NM_001127700.2 and 7 more transcripts); short protein forms L11P.
Identifiers: ClinVar variation 4808158 (VCV004808158.1).

ClinVar aggregate classification (germline): Uncertain significance (1 of 4 stars; one submission).

Conditions:
Alpha-1-antitrypsin deficiency (A1ATD). Also called: AAT deficiency; A1AT deficiency; Alpha1-Antitrypsin Deficiency. Identifiers: Orphanet 60, MedGen C0221757, MONDO:0013282, OMIM 613490.

Submission:

Labcorp Genetics (formerly Invitae), Labcorp
Classification: Uncertain significance for Alpha-1-antitrypsin deficiency. Last evaluated: 2025-12-11. Review status: criteria provided, single submitter. Criteria: Invitae Variant Classification Sherloc (09022015). Collection method: clinical testing. Allele origin: germline.
Comment: This sequence change replaces leucine, which is neutral and non-polar, with proline, which is neutral and non-polar, at codon 11 of the SERPINA1 protein (p.Leu11Pro). This variant is not present in population databases (gnomAD no frequency). This variant has not been reported in the literature in individuals affected with SERPINA1-related conditions. Invitae Evidence Modeling of protein sequence and biophysical properties (such as structural, functional, and spatial information, amino acid conservation, physicochemical variation, residue mobility, and thermodynamic stability) indicates that this missense variant is expected to disrupt SERPINA1 protein function with a positive predictive value of 95%. In summary, the available evidence is currently insufficient to determine the role of this variant in disease. Therefore, it has been classified as a Variant of Uncertain Significance.